The following is an entry in ClinVar:

ClinVar aggregate classification (germline): Uncertain significance. Review status: criteria provided, single submitter (1 of 4 stars). 2 submissions from 2 submitters: Uncertain significance (1). 1 of the submissions does not count toward it. Last evaluated 2025-06-23.

Conditions:
NOG-related disorder. Also called: NOG-related disorders; NOG-related condition.

Allele frequency attached by ClinVar (database versions not stated): gnomAD 0.00003; gnomAD exomes 0.00004 and 0.00009; TOPMed 0.00006; ExAC 0.00010.

Submissions (2):

Labcorp Genetics (formerly Invitae), Labcorp
Classification: Uncertain significance. Last evaluated: 2025-06-23. Review status: criteria provided, single submitter. Criteria: Invitae Variant Classification Sherloc (09022015). Collection method: clinical testing. Allele origin: germline.
Comment: This sequence change replaces glycine, which is neutral and non-polar, with aspartic acid, which is acidic and polar, at codon 89 of the NOG protein (p.Gly89Asp). This variant is present in population databases (rs749381932, gnomAD 0.06%), and has an allele count higher than expected for a pathogenic variant. This variant has not been reported in the literature in individuals affected with NOG-related conditions. ClinVar contains an entry for this variant (Variation ID: 1417596). An algorithm developed to predict the effect of missense changes on protein structure and function (PolyPhen-2) suggests that this variant is likely to be tolerated. In summary, the available evidence is currently insufficient to determine the role of this variant in disease. Therefore, it has been classified as a Variant of Uncertain Significance.

PreventionGenetics, part of Exact Sciences
Classification: Likely benign for NOG-related condition. Last evaluated: 2024-06-06. Review status: no assertion criteria provided. Collection method: clinical testing. Allele origin: germline. Not counted in ClinVar's aggregate classification.
Comment: This variant is classified as likely benign based on ACMG/AMP sequence variant interpretation guidelines (Richards et al. 2015 PMID: 25741868, with internal and published modifications).

NM_005450.6(NOG):c.266G>A (p.Gly89Asp)

Gene: NOG (noggin; plus strand). Cytogenetic location: 17q22.
Variant type: single nucleotide variant.
Coding change: c.266G>A on transcript NM_005450.6 (MANE Select); coding-DNA position 266, G replaced by A.
Protein change: p.Gly89Asp; replaces glycine 89 with aspartic acid.
Molecular consequence: missense variant.
Genome position (GRCh38, 1-based): chr17:56,594,489, G>A. VCF-style: chr17-56594489-G-A. GRCh37 (hg19) VCF-style: chr17-54671850-G-A.
Other names: c.266G>A (NM_005450.4); short protein forms G89D.
Identifiers: ClinVar variation 1417596 (VCV001417596.7), dbSNP rs749381932, ClinGen allele CA8663170.